The following is an entry in ClinVar:

ClinVar aggregate classification (germline): Uncertain significance. Review status: criteria provided, multiple submitters, no conflicts (2 of 4 stars). 2 submissions from 2 submitters: Uncertain significance (2). Last evaluated 2025-07-31.

Conditions:
Deficiency of aromatic-L-amino-acid decarboxylase. Also called: AADC DEFICIENCY; DDC DEFICIENCY; DOPA DECARBOXYLASE DEFICIENCY; Aromatic L-Amino Acid Decarboxylase Deficiency; Aromatic amino acid decarboxylase deficiency. Identifiers: Orphanet 35708, MedGen C1291564, MONDO:0012084, OMIM 608643.

Allele frequency attached by ClinVar (database versions not stated): gnomAD exomes 0.00001.
gnomAD v4.1: 15 of 1,614,046 alleles (0.00093%); highest among the groups gnomAD compares: Non-Finnish European, 0.0012%; no homozygotes.

Submissions (2):

Women's Health and Genetics/Laboratory Corporation of America, LabCorp
Classification: Uncertain significance. Last evaluated: 2025-07-31. Review status: criteria provided, single submitter. Criteria: LabCorp Variant Classification Summary - May 2015. Collection method: clinical testing. Allele origin: germline.
Comment: Variant summary: DDC c.251G>A (p.Ser84Asn) results in a conservative amino acid change in the encoded protein sequence. Algorithms developed to predict the effect of missense changes on protein structure and function are either unavailable or do not agree on the potential impact of this missense change. The variant was absent in 250896 control chromosomes. The available data on variant occurrences in the general population are insufficient to allow any conclusion about variant significance. c.251G>A has been observed in one individual affected with Deficiency Of Aromatic-L-Amino-Acid Decarboxylase, without strong evidence for causality (Himmelreich_2023). These report(s) do not provide unequivocal conclusions about association of the variant with Deficiency Of Aromatic-L-Amino-Acid Decarboxylase. To our knowledge, no experimental evidence demonstrating an impact on protein function has been reported. The following publication has been ascertained in the context of this evaluation (PMID: 36427457).ClinVar contains an entry for this variant (Variation ID: 1365541). Based on the evidence outlined above, the variant was classified as uncertain significance.

Labcorp Genetics (formerly Invitae), Labcorp
Classification: Uncertain significance for Deficiency of aromatic-L-amino-acid decarboxylase. Last evaluated: 2021-09-10. Review status: criteria provided, single submitter. Criteria: Invitae Variant Classification Sherloc (09022015). Collection method: clinical testing. Allele origin: germline.
Comment: This sequence change replaces serine with asparagine at codon 84 of the DDC protein (p.Ser84Asn). The serine residue is moderately conserved and there is a small physicochemical difference between serine and asparagine. This variant is not present in population databases (ExAC no frequency). This variant has not been reported in the literature in individuals affected with DDC-related conditions. Algorithms developed to predict the effect of missense changes on protein structure and function output the following: SIFT: "Tolerated"; PolyPhen-2: "Benign"; Align-GVGD: "Class C0". The asparagine amino acid residue is found in multiple mammalian species, which suggests that this missense change does not adversely affect protein function. In summary, the available evidence is currently insufficient to determine the role of this variant in disease. Therefore, it has been classified as a Variant of Uncertain Significance.

Literature cited by the submitters: PubMed 36427457 (cited by Women's Health and Genetics/Laboratory Corporation of America, LabCorp).

NM_001082971.2(DDC):c.251G>A (p.Ser84Asn)

Genes: DDC (dopa decarboxylase; minus strand), DDC-AS1 (DDC antisense RNA 1; plus strand). Cytogenetic location: 7p12.1.
Variant type: single nucleotide variant.
Coding change: c.251G>A on transcript NM_001082971.2 (MANE Select); coding-DNA position 251, G replaced by A.
Protein change: p.Ser84Asn; replaces serine 84 with asparagine.
Molecular consequence: missense variant. On other transcripts: non-coding transcript variant (1), intron variant (2).
Genome position (GRCh38, 1-based): chr7:50,539,979, C>T on the plus strand (G>A on the coding strand, the complement: DDC is on the minus strand). VCF-style: chr7-50539979-C-T. GRCh37 (hg19) VCF-style: chr7-50607677-C-T.
Other names: c.251G>A, p.Ser84Asn (NM_000790.4, NM_001242887.2, NM_001242889.2 and 1 more transcripts); c.201+3906G>A (NM_001242888.2); c.202-2000G>A (NM_001242886.2); short protein forms S84N.
Identifiers: ClinVar variation 1365541 (VCV001365541.4), dbSNP rs2044566817, ClinGen allele CA367529754.